The following is an entry in ClinVar:

ClinVar aggregate classification (germline): Likely pathogenic (1 of 4 stars; one submission).

Conditions:
Autoinflammatory syndrome, familial, X-linked, Behcet-like 2. Also called: DEFICIENCY IN ELF4, X-LINKED. Identifiers: Orphanet 676125, MedGen C5575495, MONDO:0024770, OMIM 301074.

Submission:

MVZ Medizinische Genetik Mainz
Classification: Likely pathogenic for Autoinflammatory syndrome, familial, X-linked, Behcet-like 2. Last evaluated: 2026-06-18. Review status: criteria provided, single submitter. Criteria: UK Practice Guidelines For Variant Classification V4 01 2020. Collection method: clinical testing. Allele origin: germline. Inheritance: X-linked dominant inheritance. Affected: yes. Observed: 1 variant allele.
Comment: ACMG Criteria: PVS1,PM2_SUP

NM_001421.4(ELF4):c.143dup (p.Tyr49fs)

Gene: ELF4 (E74 like ETS transcription factor 4; minus strand). Cytogenetic location: Xq26.1.
Variant type: Duplication.
Coding change: c.143dup on transcript NM_001421.4 (MANE Select); coding-DNA position 143, one base duplicated (T; older notation c.143dupT).
Protein change: p.Tyr49fs; shifts the reading frame from tyrosine 49.
Molecular consequence: frameshift variant.
Genome position (GRCh38, 1-based): chrX:130,074,685, A duplicated on the plus strand (T on the coding strand, the reverse complement: ELF4 is on the minus strand). VCF-style (leftmost placement, unchanged base first): chrX-130074684-C-CA. GRCh37 (hg19) VCF-style: chrX-129208659-C-CA.
Other names: c.143dup, p.Tyr49fs (NM_001127197.2, NM_001440765.1, NM_001440766.1); short protein forms Y49fs.
Identifiers: ClinVar variation 5038135 (VCV005038135.1).